The following is an entry in ClinVar:

NC_000007.13:g.(?_33169175)_(33185977_33192312)dup

Gene: BBS9 (Bardet-Biedl syndrome 9; plus strand). Cytogenetic location: 7p14.3.
Variant type: Duplication.
Identifiers: ClinVar variation 3068839 (VCV003068839.3).

ClinVar aggregate classification (germline): Uncertain significance (1 of 4 stars; one submission).

Submission:

Women's Health and Genetics/Laboratory Corporation of America, LabCorp
Classification: Uncertain significance. Last evaluated: 2025-10-22. Review status: criteria provided, single submitter. Criteria: LabCorp Variant Classification Summary - May 2015. Collection method: clinical testing. Allele origin: germline.
Comment: Variant summary: The variant involves the duplication of exons 1-2 in the BBS9 gene. The exact breakpoint at the 5' end of this variant is unknown, therefore this duplication may extend upstream of the annotated region of this gene. It is predicted to duplicate a segment including the initiation codon, therefore its impact on the encoded protein is unknown. A presumed nomenclature of c.(?_-490)_(112+1_113-1)dup has been designated for the purposes of this classification. The variant was absent in 21690 control chromosomes. The available data on variant occurrences in the general population are insufficient to allow any conclusion about variant significance. Similar duplication to c.(?_-490)_(112+1_113-1)dup has been reported in the literature in heterozygous state in an individual affected with Bardet-Biedl Syndrome but was homozygous for a pathogenic variant in BBS1 gene (example: Guardiola_2021). To our knowledge, no experimental evidence demonstrating an impact on protein function has been reported. The following publication has been ascertained in the context of this evaluation (PMID: 34526762). ClinVar contains an entry for this variant (Variation ID: 832793). Based on the evidence outlined above, the variant was classified as uncertain significance.

Literature cited by the submitters: PubMed 34526762.